The following is an entry in ClinVar:

NM_016026.4(RDH11):c.380A>G (p.Asn127Ser)

Genes: GPHN (gephyrin; plus strand), RDH11 (retinol dehydrogenase 11; minus strand). Cytogenetic location: 14q24.1.
Variant type: single nucleotide variant.
Coding change: c.380A>G on transcript NM_016026.4 (MANE Select); coding-DNA position 380, A replaced by G.
Protein change: p.Asn127Ser; replaces asparagine 127 with serine.
Molecular consequence: missense variant.
Genome position (GRCh38, 1-based): chr14:67,691,214, T>C on the plus strand (A>G on the coding strand, the complement: RDH11 is on the minus strand). VCF-style: chr14-67691214-T-C. GRCh37 (hg19) VCF-style: chr14-68157931-T-C.
Other names: c.380A>G, p.Asn127Ser (NM_001252650.2); short protein forms N127S.
Identifiers: ClinVar variation 938291 (VCV000938291.7), dbSNP rs371345890, ClinGen allele CA7238409.
Genomic context (GRCh38, chr14:67,691,214, plus strand): 5'-CCTATGTGCATCTCAAAGCCATCTGCTGTCTTCGAGTACGGACACATCATCACTCCTGCA[T>C]TGTTGATCAAAACGTGGAGGTGCTTTTCCTCTGCAGGGACAAGACGATGGAGCGTGGAAG-3'
Protein context (NP_057110.3, residues 117-137): EEKHLHVLIN[Asn127Ser]AGVMMCPYSK

ClinVar aggregate classification (germline): Uncertain significance (1 of 4 stars; one submission).

Allele frequency attached by ClinVar (database versions not stated): gnomAD exomes 0.00001 and 0.00003; ExAC 0.00002; gnomAD 0.00004 and 0.00006; TOPMed 0.00006; ESP Exome Variant Server 0.00008.
gnomAD v4.1: 23 of 1,613,860 alleles (0.0014%); highest among the groups gnomAD compares: African/African-American, 0.013%; no homozygotes.

Submission:

Labcorp Genetics (formerly Invitae), Labcorp
Classification: Uncertain significance. Last evaluated: 2022-07-12. Review status: criteria provided, single submitter. Criteria: Invitae Variant Classification Sherloc (09022015). Collection method: clinical testing. Allele origin: germline.
Comment: This sequence change replaces asparagine, which is neutral and polar, with serine, which is neutral and polar, at codon 127 of the RDH11 protein (p.Asn127Ser). This variant is present in population databases (rs371345890, gnomAD 0.02%). This variant has not been reported in the literature in individuals affected with RDH11-related conditions. ClinVar contains an entry for this variant (Variation ID: 938291). Algorithms developed to predict the effect of missense changes on protein structure and function are either unavailable or do not agree on the potential impact of this missense change (SIFT: "Deleterious"; PolyPhen-2: "Probably Damaging"; Align-GVGD: "Class C0"). Algorithms developed to predict the effect of sequence changes on RNA splicing suggest that this variant may create or strengthen a splice site. In summary, the available evidence is currently insufficient to determine the role of this variant in disease. Therefore, it has been classified as a Variant of Uncertain Significance.